The following is an entry in ClinVar:

NM_003119.4(SPG7):c.749del (p.Phe250fs)

Gene: SPG7 (SPG7 matrix AAA peptidase subunit, paraplegin; plus strand). Cytogenetic location: 16q24.3.
Variant type: Deletion.
Coding change: c.749del on transcript NM_003119.4 (MANE Select); coding-DNA position 749, one base deleted (T; older notation c.749delT).
Protein change: p.Phe250fs; shifts the reading frame from phenylalanine 250.
Molecular consequence: frameshift variant.
Genome position (GRCh38, 1-based): chr16:89,526,459, T deleted; the last of 2 consecutive T bases (chr16:89,526,458-89,526,459); deleting either gives the same sequence. VCF-style (leftmost placement, unchanged base first): chr16-89526457-AT-A. GRCh37 (hg19) VCF-style: chr16-89592865-AT-A.
Other names: c.749del, p.Phe250fs (NM_001363850.1, NM_199367.3); short protein forms F250fs.
Identifiers: ClinVar variation 1452161 (VCV001452161.7), dbSNP rs1355240257, ClinGen allele CA497175190.

ClinVar aggregate classification (germline): Pathogenic/Likely pathogenic. Review status: criteria provided, multiple submitters, no conflicts (2 of 4 stars). 2 submissions from 2 submitters: Pathogenic (1); Likely pathogenic (1). Last evaluated 2021-02-02.

Conditions:
SPG7-related disorder. Also called: SPG7-related condition.
Hereditary spastic paraplegia 7 (SPG7). Also called: Spastic paraplegia 7; Hereditary spastic paraplegia Paraplegin type; SPG7-related neurologic disorder; Autosomal recessive spastic paraplegia type 7; SPASTIC PARAPLEGIA 7, AUTOSOMAL RECESSIVE, WITH OR WITHOUT CEREBELLAR ATAXIA. Identifiers: Orphanet 99013, MedGen C1846564, MONDO:0011803, OMIM 607259.

Submissions (2):

Labcorp Genetics (formerly Invitae), Labcorp
Classification: Pathogenic for Hereditary spastic paraplegia 7. Last evaluated: 2021-02-02. Review status: criteria provided, single submitter. Criteria: Invitae Variant Classification Sherloc (09022015). Collection method: clinical testing. Allele origin: germline.
Comment: For these reasons, this variant has been classified as Pathogenic. This variant has not been reported in the literature in individuals with SPG7-related conditions. This variant is not present in population databases (ExAC no frequency). This sequence change creates a premature translational stop signal (p.Phe250Serfs*11) in the SPG7 gene. It is expected to result in an absent or disrupted protein product. Loss-of-function variants in SPG7 are known to be pathogenic (PMID: 21623769, 22964162).

Blueprint Genetics
Classification: Likely pathogenic for SPG7-related disorders. Last evaluated: 2019-01-10. Review status: criteria provided, single submitter. Criteria: ACMG Guidelines, 2015. Collection method: clinical testing. Allele origin: germline. Affected: yes. Observed: 1 variant allele.

Literature cited by the submitters: PubMed 21623769 (cited by Labcorp Genetics (formerly Invitae), Labcorp); PubMed 22964162 (cited by Labcorp Genetics (formerly Invitae), Labcorp).